The following is an entry in ClinVar:

NM_001036.6(RYR3):c.10685G>A (p.Arg3562His)

Gene: RYR3 (ryanodine receptor 3; plus strand). Cytogenetic location: 15q14.
Variant type: single nucleotide variant.
Coding change: c.10685G>A on transcript NM_001036.6 (MANE Select); coding-DNA position 10685, G replaced by A.
Protein change: p.Arg3562His; replaces arginine 3562 with histidine.
Molecular consequence: missense variant.
Genome position (GRCh38, 1-based): chr15:33,818,663, G>A. VCF-style: chr15-33818663-G-A. GRCh37 (hg19) VCF-style: chr15-34110864-G-A.
Other names: c.10670G>A, p.Arg3557His (NM_001243996.4); c.10685G>A (NM_001036.3); short protein forms R3557H, R3562H.
Identifiers: ClinVar variation 1018889 (VCV001018889.9), dbSNP rs780080294, ClinGen allele CA7460918.

ClinVar aggregate classification (germline): Uncertain significance. Review status: criteria provided, multiple submitters, no conflicts (2 of 4 stars). 2 submissions from 2 submitters: Uncertain significance (2). Last evaluated 2024-07-30.

Conditions:
Epileptic encephalopathy. Identifiers: MedGen C0543888, HP:0200134.

Allele frequency attached by ClinVar (database versions not stated): gnomAD 0.00001 and 0.00002; ExAC 0.00002; TOPMed 0.00002.
gnomAD v4.1: 27 of 1,613,436 alleles (0.0017%); highest among the groups gnomAD compares: Middle Eastern, 0.017%; no homozygotes.

Submissions (2):

Ambry Genetics
Classification: Uncertain significance. Last evaluated: 2024-07-30. Review status: criteria provided, single submitter. Criteria: Ambry Variant Classification Scheme 2023. Collection method: clinical testing. Allele origin: germline.

Labcorp Genetics (formerly Invitae), Labcorp
Classification: Uncertain significance for Epileptic encephalopathy. Last evaluated: 2020-08-26. Review status: criteria provided, single submitter. Criteria: Invitae Variant Classification Sherloc (09022015). Collection method: clinical testing. Allele origin: germline.
Comment: This sequence change replaces arginine with histidine at codon 3562 of the RYR3 protein (p.Arg3562His). The arginine residue is moderately conserved and there is a small physicochemical difference between arginine and histidine. This variant is present in population databases (rs780080294, ExAC 0.01%). This variant has not been reported in the literature in individuals with RYR3-related conditions. Algorithms developed to predict the effect of missense changes on protein structure and function (SIFT, PolyPhen-2, Align-GVGD) all suggest that this variant is likely to be tolerated, but these predictions have not been confirmed by published functional studies and their clinical significance is uncertain. In summary, the available evidence is currently insufficient to determine the role of this variant in disease. Therefore, it has been classified as a Variant of Uncertain Significance.